The following is an entry in ClinVar:

ClinVar aggregate classification (germline): Pathogenic (1 of 4 stars; one submission).

Conditions:
Breast-ovarian cancer, familial, susceptibility to, 2 (BROVCA2). Also called: BRCA2 Hereditary Breast and Ovarian Cancer. Identifiers: Orphanet 145, MedGen C2675520, MONDO:0012933, OMIM 612555. Disease mechanism: loss of function.

Submission:

Myriad Genetics, Inc.
Classification: Pathogenic for Breast-ovarian cancer, familial, susceptibility to, 2. Last evaluated: 2025-09-16. Review status: criteria provided, single submitter. Criteria: Myriad Autosomal Dominant, Autosomal Recessive and X-Linked Classification Criteria (2023). Collection method: clinical testing. Allele origin: unknown.
Comment: This variant is considered pathogenic. This variant creates a frameshift predicted to result in premature protein truncation.

NM_000059.4(BRCA2):c.787del (p.Ser263fs)

Gene: BRCA2 (BRCA2 DNA repair associated; plus strand). Cytogenetic location: 13q13.1.
Variant type: Deletion.
Coding change: c.787del on transcript NM_000059.4 (MANE Select); coding-DNA position 787, one base deleted (A; older notation c.787delA).
Protein change: p.Ser263fs; shifts the reading frame from serine 263.
Molecular consequence: frameshift variant. On other transcripts: non-coding transcript variant (1).
Genome position (GRCh38, 1-based): chr13:32,331,024, A deleted; the last of 2 consecutive A bases (chr13:32,331,023-32,331,024); deleting either gives the same sequence. VCF-style (leftmost placement, unchanged base first): chr13-32331022-CA-C. GRCh37 (hg19) VCF-style: chr13-32905159-CA-C.
Other names: c.787del, p.Ser263fs (NM_001406719.1, NM_001406720.1, NM_001406721.1 and 1 more transcripts); c.418del, p.Ser140fs (NM_001406722.1); short protein forms S140fs, S263fs.
Identifiers: ClinVar variation 4294274 (VCV004294274.1).